The following is an entry in ClinVar:

NM_182931.3(KMT2E):c.1016A>G (p.Asn339Ser)

Gene: KMT2E (lysine methyltransferase 2E (inactive); plus strand). Cytogenetic location: 7q22.3.
Variant type: single nucleotide variant.
Coding change: c.1016A>G on transcript NM_182931.3 (MANE Select); coding-DNA position 1016, A replaced by G.
Protein change: p.Asn339Ser; replaces asparagine 339 with serine.
Molecular consequence: missense variant.
Genome position (GRCh38, 1-based): chr7:105,077,319, A>G. VCF-style: chr7-105077319-A-G. GRCh37 (hg19) VCF-style: chr7-104717766-A-G.
Other names: c.1016A>G, p.Asn339Ser (NM_001410908.1, NM_018682.4); short protein forms N339S.
Identifiers: ClinVar variation 2873907 (VCV002873907.3), dbSNP rs1409571255, ClinGen allele CA368777976.

ClinVar aggregate classification (germline): Uncertain significance (1 of 4 stars; one submission).

Allele frequency attached by ClinVar (database versions not stated): gnomAD exomes below 0.00001; TOPMed below 0.00001; gnomAD 0.00001.
gnomAD v4.1: 3 of 1,609,826 alleles (0.00019%); highest among the groups gnomAD compares: Non-Finnish European, 0.00025%; no homozygotes.

Submission:

Labcorp Genetics (formerly Invitae), Labcorp
Classification: Uncertain significance. Last evaluated: 2024-02-05. Review status: criteria provided, single submitter. Criteria: Invitae Variant Classification Sherloc (09022015). Collection method: clinical testing. Allele origin: germline.
Comment: This sequence change replaces asparagine, which is neutral and polar, with serine, which is neutral and polar, at codon 339 of the KMT2E protein (p.Asn339Ser). This variant is present in population databases (no rsID available, gnomAD 0.0009%). This variant has not been reported in the literature in individuals affected with KMT2E-related conditions. Advanced modeling of protein sequence and biophysical properties (such as structural, functional, and spatial information, amino acid conservation, physicochemical variation, residue mobility, and thermodynamic stability) performed at Invitae indicates that this missense variant is not expected to disrupt KMT2E protein function with a negative predictive value of 80%. In summary, the available evidence is currently insufficient to determine the role of this variant in disease. Therefore, it has been classified as a Variant of Uncertain Significance.